The following is an entry in ClinVar:

NM_000057.4(BLM):c.1556A>G (p.Tyr519Cys)

Gene: BLM (BLM RecQ like helicase; plus strand). Cytogenetic location: 15q26.1.
Variant type: single nucleotide variant.
Coding change: c.1556A>G on transcript NM_000057.4 (MANE Select); coding-DNA position 1556, A replaced by G.
Protein change: p.Tyr519Cys; replaces tyrosine 519 with cysteine.
Molecular consequence: missense variant.
Genome position (GRCh38, 1-based): chr15:90,760,929, A>G. VCF-style: chr15-90760929-A-G. GRCh37 (hg19) VCF-style: chr15-91304159-A-G.
Other names: c.1556A>G, p.Tyr519Cys (NM_001287246.2, NM_001287247.2); c.431A>G, p.Tyr144Cys (NM_001287248.2); short protein forms Y519C, Y144C.
Identifiers: ClinVar variation 584502 (VCV000584502.3), dbSNP rs1567041220, ClinGen allele CA393843319.

ClinVar aggregate classification (germline): Uncertain significance. Review status: criteria provided, multiple submitters, no conflicts (2 of 4 stars). 2 submissions from 2 submitters: Uncertain significance (2). Last evaluated 2020-02-24.

Conditions:
Hereditary cancer-predisposing syndrome. Also called: Neoplastic Syndromes, Hereditary; Hereditary Cancer Syndrome; Tumor predisposition; Hereditary neoplastic syndrome. Identifiers: Orphanet 140162, MedGen C0027672, MeSH D009386, MONDO:0015356.

Submissions (2):

Ambry Genetics
Classification: Uncertain significance for Hereditary cancer-predisposing syndrome. Last evaluated: 2020-02-24. Review status: criteria provided, single submitter. Criteria: Ambry Variant Classification Scheme 2023. Collection method: clinical testing. Allele origin: germline.
Comment: The p.Y519C variant (also known as c.1556A>G), located in coding exon 6 of the BLM gene, results from an A to G substitution at nucleotide position 1556. The tyrosine at codon 519 is replaced by cysteine, an amino acid with highly dissimilar properties. This variant was reported as a variant of unknown significance in 1/1197 individuals from Greece, Romania, and Turkey undergoing evaluation for inherited cancer predisposition (Tsaousis GN et al. BMC Cancer, 2019 Jun;19:535). This amino acid position is not well conserved in available vertebrate species. In addition, this alteration is predicted to be tolerated by in silico analysis. Since supporting evidence is limited at this time, the clinical significance of this alteration remains unclear.

GeneKor MSA
Classification: Uncertain significance for Hereditary cancer-predisposing syndrome. Last evaluated: 2018-08-01. Review status: criteria provided, single submitter. Criteria: ACMG Guidelines, 2015. Collection method: clinical testing. Allele origin: germline. Affected: no.

Literature cited by the submitters: PubMed 31159747 (cited by Ambry Genetics).